The following is an entry in ClinVar:

ClinVar aggregate classification (germline): Uncertain significance (1 of 4 stars; one submission).

Conditions:
Senior-Loken syndrome 7 (SLSN7). Identifiers: Orphanet 3156, MedGen C3150877, MONDO:0013326, OMIM 613615.
Bardet-Biedl syndrome 16 (BBS16). Identifiers: Orphanet 110, MedGen C3889474, MONDO:0014444, OMIM 615993.

Submission:

Labcorp Genetics (formerly Invitae), Labcorp
Classification: Uncertain significance for Bardet-Biedl syndrome 16; Senior-Loken syndrome 7. Last evaluated: 2022-01-06. Review status: criteria provided, single submitter. Criteria: Invitae Variant Classification Sherloc (09022015). Collection method: clinical testing. Allele origin: germline.
Comment: This sequence change replaces alanine, which is neutral and non-polar, with serine, which is neutral and polar, at codon 219 of the SDCCAG8 protein (p.Ala219Ser). This variant is not present in population databases (gnomAD no frequency). This variant has not been reported in the literature in individuals affected with SDCCAG8-related conditions. Algorithms developed to predict the effect of missense changes on protein structure and function output the following: SIFT: "Tolerated"; PolyPhen-2: "Benign"; Align-GVGD: "Class C0". The serine amino acid residue is found in multiple mammalian species, which suggests that this missense change does not adversely affect protein function. In summary, the available evidence is currently insufficient to determine the role of this variant in disease. Therefore, it has been classified as a Variant of Uncertain Significance.

NM_006642.5(SDCCAG8):c.655G>T (p.Ala219Ser)

Gene: SDCCAG8 (SHH signaling and ciliogenesis regulator SDCCAG8; plus strand). Cytogenetic location: 1q43.
Variant type: single nucleotide variant.
Coding change: c.655G>T on transcript NM_006642.5 (MANE Select); coding-DNA position 655, G replaced by T.
Protein change: p.Ala219Ser; replaces alanine 219 with serine.
Molecular consequence: missense variant. On other transcripts: 5 prime UTR variant (3).
Genome position (GRCh38, 1-based): chr1:243,293,199, G>T. VCF-style: chr1-243293199-G-T. GRCh37 (hg19) VCF-style: chr1-243456501-G-T.
Other names: c.-458G>T (NM_001350246.2); c.-346G>T (NM_001350247.2); c.655G>T, p.Ala219Ser (NM_001350248.2); c.361G>T, p.Ala121Ser (NM_001350249.2); c.-719G>T (NM_001350251.2); short protein forms A219S, A121S.
Identifiers: ClinVar variation 1396305 (VCV001396305.8), dbSNP rs2149295739, ClinGen allele CA345478397.